The following is an entry in ClinVar:

NM_182914.3(SYNE2):c.8591C>T (p.Ala2864Val)

Gene: SYNE2 (spectrin repeat containing nuclear envelope protein 2; plus strand). Cytogenetic location: 14q23.2.
Variant type: single nucleotide variant.
Coding change: c.8591C>T on transcript NM_182914.3 (MANE Select); coding-DNA position 8591, C replaced by T.
Protein change: p.Ala2864Val; replaces alanine 2864 with valine.
Molecular consequence: missense variant.
Genome position (GRCh38, 1-based): chr14:64,052,504, C>T. VCF-style: chr14-64052504-C-T. GRCh37 (hg19) VCF-style: chr14-64519222-C-T.
Other names: c.8591C>T, p.Ala2864Val (NM_015180.6); short protein forms A2864V.
Identifiers: ClinVar variation 1503706 (VCV001503706.8), dbSNP rs2153576784, ClinGen allele CA389968840.

ClinVar aggregate classification (germline): Uncertain significance (1 of 4 stars; one submission).

Conditions:
Emery-Dreifuss muscular dystrophy 5, autosomal dominant (EDMD5). Also called: EMERY-DREIFUSS MUSCULAR DYSTROPHY 5. Identifiers: Orphanet 261, MedGen C2751805, MONDO:0013072, OMIM 612999.

Submission:

Labcorp Genetics (formerly Invitae), Labcorp
Classification: Uncertain significance for Emery-Dreifuss muscular dystrophy 5, autosomal dominant. Last evaluated: 2021-07-07. Review status: criteria provided, single submitter. Criteria: Invitae Variant Classification Sherloc (09022015). Collection method: clinical testing. Allele origin: germline.
Comment: In summary, the available evidence is currently insufficient to determine the role of this variant in disease. Therefore, it has been classified as a Variant of Uncertain Significance. Algorithms developed to predict the effect of missense changes on protein structure and function (SIFT, PolyPhen-2, Align-GVGD) all suggest that this variant is likely to be tolerated. This variant has not been reported in the literature in individuals affected with SYNE2-related conditions. This variant is not present in population databases (ExAC no frequency). This sequence change replaces alanine with valine at codon 2864 of the SYNE2 protein (p.Ala2864Val). The alanine residue is weakly conserved and there is a small physicochemical difference between alanine and valine.